The following is an entry in ClinVar:

ClinVar aggregate classification (germline): Uncertain significance. Review status: criteria provided, multiple submitters, no conflicts (2 of 4 stars). 2 submissions from 2 submitters: Uncertain significance (2). Last evaluated 2023-11-14.

Conditions:
Hereditary cancer-predisposing syndrome. Also called: Tumor predisposition; Neoplastic Syndromes, Hereditary; Hereditary Cancer Syndrome; Hereditary neoplastic syndrome. Identifiers: Orphanet 140162, MedGen C0027672, MeSH D009386, MONDO:0015356.
Ataxia-telangiectasia syndrome (AT). Also called: ATAXIA-TELANGIECTASIA, COMPLEMENTATION GROUP A; ATAXIA-TELANGIECTASIA, FRESNO VARIANT; Ataxia-telangiectasia; Ataxia-telangiectasia, complementation group D; AT, COMPLEMENTATION GROUP C; Ataxia-telangiectasia, complementation group E. Identifiers: Orphanet 100, MedGen C0004135, MONDO:0008840, OMIM 208900.

Submissions (2):

Ambry Genetics
Classification: Uncertain significance for Hereditary cancer-predisposing syndrome. Last evaluated: 2023-11-14. Review status: criteria provided, single submitter. Criteria: Ambry Variant Classification Scheme 2023. Collection method: clinical testing. Allele origin: germline.
Comment: The p.E2423D variant (also known as c.7269A>C), located in coding exon 48 of the ATM gene, results from an A to C substitution at nucleotide position 7269. A different alteration resulting in the same amino acid change (c.7269A>T, p.E2423D) was identified in 1 of 13087 breast cancer cases and was not observed in 5488 control individuals in the UK (Decker B et al. J Med Genet, 2017 Nov;54:732-741). The glutamic acid at codon 2423 is replaced by aspartic acid, an amino acid with highly similar properties. This amino acid position is highly conserved in available vertebrate species. In addition, this alteration is predicted to be tolerated by in silico analysis. Since supporting evidence is limited at this time, the clinical significance of this alteration remains unclear.

Labcorp Genetics (formerly Invitae), Labcorp
Classification: Uncertain significance for Ataxia-telangiectasia syndrome. Last evaluated: 2021-12-17. Review status: criteria provided, single submitter. Criteria: Invitae Variant Classification Sherloc (09022015). Collection method: clinical testing. Allele origin: germline.
Comment: This sequence change replaces glutamic acid, which is acidic and polar, with aspartic acid, which is acidic and polar, at codon 2423 of the ATM protein (p.Glu2423Asp). This variant is not present in population databases (gnomAD no frequency). This variant has not been reported in the literature in individuals affected with ATM-related conditions. ClinVar contains an entry for this variant (Variation ID: 836003). Advanced modeling of protein sequence and biophysical properties (such as structural, functional, and spatial information, amino acid conservation, physicochemical variation, residue mobility, and thermodynamic stability) performed at Invitae indicates that this missense variant is not expected to disrupt ATM protein function. In summary, the available evidence is currently insufficient to determine the role of this variant in disease. Therefore, it has been classified as a Variant of Uncertain Significance.

Literature cited by the submitters: PubMed 28779002 (cited by Ambry Genetics).

NM_000051.4(ATM):c.7269A>C (p.Glu2423Asp)

Genes: ATM (ATM serine/threonine kinase; plus strand), C11orf65 (chromosome 11 open reading frame 65; minus strand). Cytogenetic location: 11q22.3.
Variant type: single nucleotide variant.
Coding change: c.7269A>C on transcript NM_000051.4 (MANE Select); coding-DNA position 7269, A replaced by C.
Protein change: p.Glu2423Asp; replaces glutamic acid 2423 with aspartic acid.
Molecular consequence: missense variant. On other transcripts: intron variant (2).
Genome position (GRCh38, 1-based): chr11:108,329,200, A>C. VCF-style: chr11-108329200-A-C. GRCh37 (hg19) VCF-style: chr11-108199927-A-C.
Other names: c.7269A>C, p.Glu2423Asp (NM_001351834.2); c.641-20129T>G (NM_001330368.2); c.*38+6020T>G (NM_001351110.2); short protein forms E2423D.
Identifiers: ClinVar variation 836003 (VCV000836003.6), dbSNP rs864622471, ClinGen allele CA382559764.